The following is an entry in ClinVar:

ClinVar aggregate classification (germline): Uncertain significance (1 of 4 stars; one submission).

Conditions:
Familial thoracic aortic aneurysm and aortic dissection (TAAD). Also called: Thoracic aortic aneurysms and dissections. Identifiers: Orphanet 91387, MedGen C4707243, MONDO:0019625.

Submission:

Ambry Genetics
Classification: Uncertain significance for Familial thoracic aortic aneurysm and aortic dissection. Last evaluated: 2026-04-12. Review status: criteria provided, single submitter. Criteria: Ambry Variant Classification Scheme 2023. Collection method: clinical testing. Allele origin: germline.
Comment: The p.T173S variant (also known as c.518C>G), located in coding exon 4 of the FBN2 gene, results from a C to G substitution at nucleotide position 518. The threonine at codon 173 is replaced by serine, an amino acid with similar properties. This amino acid position is conserved. In addition, this alteration is predicted to be tolerated by in silico analysis. Based on the available evidence, the clinical significance of this variant remains unclear.

NM_001999.4(FBN2):c.518C>G (p.Thr173Ser)

Gene: FBN2 (fibrillin 2; minus strand). Cytogenetic location: 5q23.3.
Variant type: single nucleotide variant.
Coding change: c.518C>G on transcript NM_001999.4 (MANE Select); coding-DNA position 518, C replaced by G.
Protein change: p.Thr173Ser; replaces threonine 173 with serine.
Molecular consequence: missense variant.
Genome position (GRCh38, 1-based): chr5:128,527,886, G>C on the plus strand (C>G on the coding strand, the complement: FBN2 is on the minus strand). VCF-style: chr5-128527886-G-C. GRCh37 (hg19) VCF-style: chr5-127863579-G-C.
Other names: short protein forms T173S.
Identifiers: ClinVar variation 4871240 (VCV004871240.1).